The following is an entry in ClinVar:

NM_007294.4(BRCA1):c.189A>C (p.Leu63Phe)

Gene: BRCA1 (BRCA1 DNA repair associated; minus strand). Cytogenetic location: 17q21.31.
Variant type: single nucleotide variant.
Coding change: c.189A>C on transcript NM_007294.4 (MANE Select); coding-DNA position 189, A replaced by C.
Protein change: p.Leu63Phe; replaces leucine 63 with phenylalanine.
Molecular consequence: missense variant. On other transcripts: non-coding transcript variant (1).
Genome position (GRCh38, 1-based): chr17:43,106,479, T>G on the plus strand (A>C on the coding strand, the complement: BRCA1 is on the minus strand). VCF-style: chr17-43106479-T-G. GRCh37 (hg19) VCF-style: chr17-41258496-T-G.
Other names: c.189A>C, p.Leu63Phe (NM_001408419.1, NM_001408420.1, NM_001408421.1 and 168 more transcripts); c.48A>C, p.Leu16Phe (NM_001408452.1, NM_001408453.1, NM_001408454.1 and 99 more transcripts); c.1A>C, p.Met1Leu (NM_001408478.1, NM_001408479.1, NM_001408480.1 and 58 more transcripts); short protein forms L63F, L16F, M1L.
Identifiers: ClinVar variation 867315 (VCV000867315.3), dbSNP rs80356956, ClinGen allele CA10601788.
Genomic context (GRCh38, chr17:43,106,479, plus strand): 5'-GTTGCTTCCAACCTAGCATCATTACCAAATTATATACCTTTTGGTTATATCATTCTTACA[T>G]AAAGGACACTGTGAAGGCCCTTTCTTCTGGTTGAGAAGTTTCAGCATGCAAAATCTATAA-3'
Protein context (NP_009225.1, residues 53-73): NQKKGPSQCP[Leu63Phe]CKNDITKRSL

Conditions:
Breast-ovarian cancer, familial, susceptibility to, 1 (BROVCA1). Also called: BRCA1 Hereditary Breast and Ovarian Cancer; OVARIAN CANCER, SUSCEPTIBILITY TO. Identifiers: Orphanet 145, MedGen C2676676, MONDO:0011450, OMIM 604370. Disease mechanism: loss of function.

Submission:

Brotman Baty Institute, University of Washington
No classification provided (evidence only). Condition: Breast-ovarian cancer, familial 1. Review status: no classification provided. Collection method: in vitro. Allele origin: not applicable. Functional consequence: functionally_normal.
ClinVar note: "not provided" was previously submitted as the classification for the variant. However, the classification appeared to be based only on an observation of functional data so it was converted to no classification on 2025-07-30.